The following is an entry in ClinVar:

NM_001614.5(ACTG1):c.728C>T (p.Pro243Leu)

Gene: ACTG1 (actin gamma 1; minus strand). Cytogenetic location: 17q25.3.
Variant type: single nucleotide variant.
Coding change: c.728C>T on transcript NM_001614.5 (MANE Select); coding-DNA position 728, C replaced by T.
Protein change: p.Pro243Leu; replaces proline 243 with leucine.
Molecular consequence: missense variant. On other transcripts: non-coding transcript variant (1).
Genome position (GRCh38, 1-based): chr17:81,511,262, G>A on the plus strand (C>T on the coding strand, the complement: ACTG1 is on the minus strand). VCF-style: chr17-81511262-G-A. GRCh37 (hg19) VCF-style: chr17-79478288-G-A.
Other names: c.728C>T, p.Pro243Leu (NM_001199954.3); c.728C>T (NM_001614.3); short protein forms P243L.
Identifiers: ClinVar variation 807363 (VCV000807363.4), dbSNP rs1598548256, ClinGen allele CA401459927.
Genomic context (GRCh38, chr17:81,511,262, plus strand): 5'-TGGAACAGCGCCTCCGGACACCGGAACCGCTCATTGCCAATGGTGATGACCTGGCCATCG[G>A]GCAGCTCGTAGCTCTTCTCCAGAGAAGAGGAGGATGCGGCGGTGGCCATCTCCTGCTCGA-3'
Protein context (NP_001605.1, residues 233-253): SSSLEKSYEL[Pro243Leu]DGQVITIGNE

ClinVar aggregate classification (germline): Likely pathogenic. Review status: criteria provided, multiple submitters, no conflicts (2 of 4 stars). 2 submissions from 2 submitters: Likely pathogenic (2). Last evaluated 2024-11-11.

Conditions:
Baraitser-winter syndrome 2. Identifiers: Orphanet 2995, MedGen C3281235, MONDO:0013812, OMIM 614583.

Submissions (2):

GeneDx
Classification: Likely pathogenic. Last evaluated: 2024-11-11. Review status: criteria provided, single submitter. Criteria: GeneDx Variant Classification Process June 2021. Collection method: clinical testing. Allele origin: germline. Affected: yes.
Comment: Not observed at significant frequency in large population cohorts (gnomAD); In silico analysis supports that this missense variant has a deleterious effect on protein structure/function; Missense variants in this gene are a common cause of disease and they are underrepresented in the general population; This variant is associated with the following publications: (PMID: 35054877, 34450357, 26188271)

Institute of Human Genetics Munich, TUM University Hospital
Classification: Likely pathogenic for Baraitser-winter syndrome 2. Last evaluated: 2018-07-30. Review status: criteria provided, single submitter. Criteria: Classification criteria August 2017. Collection method: clinical testing. Allele origin: de novo. Inheritance: Autosomal dominant inheritance. Affected: yes. Observed: 1 heterozygote.